The following is an entry in ClinVar:

NM_005802.5(TOPORS):c.2525C>A (p.Thr842Asn)

Gene: TOPORS (TOP1 binding arginine/serine rich protein, E3 ubiquitin ligase; minus strand). Cytogenetic location: 9p21.1.
Variant type: single nucleotide variant.
Coding change: c.2525C>A on transcript NM_005802.5 (MANE Select); coding-DNA position 2525, C replaced by A.
Protein change: p.Thr842Asn; replaces threonine 842 with asparagine.
Molecular consequence: missense variant.
Genome position (GRCh38, 1-based): chr9:32,542,000, G>T on the plus strand (C>A on the coding strand, the complement: TOPORS is on the minus strand). VCF-style: chr9-32542000-G-T. GRCh37 (hg19) VCF-style: chr9-32541998-G-T.
Other names: c.2330C>A, p.Thr777Asn (NM_001195622.2); short protein forms T842N, T777N.
Identifiers: ClinVar variation 167738 (VCV000167738.20), dbSNP rs139859703, ClinGen allele CA234999.

ClinVar aggregate classification (germline): Conflicting classifications of pathogenicity. Review status: criteria provided, conflicting classifications (1 of 4 stars). 5 submissions from 5 submitters: Uncertain significance (2); Benign (1); Likely benign (1). 1 of the submissions does not count toward it. Last evaluated 2025-12-28.

Conditions:
TOPORS-related disorder. Also called: TOPORS-related condition.
Inborn genetic diseases. Identifiers: MedGen C0950123, MeSH D030342.

Allele frequency attached by ClinVar (database versions not stated): gnomAD exomes 0.00092; ExAC 0.00072; 1000 Genomes Project 0.00020; ESP Exome Variant Server 0.00046; TOPMed 0.00063; gnomAD 0.00106 and 0.00100; 1000 Genomes Project 30x 0.00016.

Submissions (5):

Labcorp Genetics (formerly Invitae), Labcorp
Classification: Benign. Last evaluated: 2025-12-28. Review status: criteria provided, single submitter. Criteria: Invitae Variant Classification Sherloc (09022015). Collection method: clinical testing. Allele origin: germline.

Ambry Genetics
Classification: Uncertain significance for Inborn genetic diseases. Last evaluated: 2024-09-10. Review status: criteria provided, single submitter. Criteria: Ambry Variant Classification Scheme 2023. Collection method: clinical testing. Allele origin: germline.

Blueprint Genetics
Classification: Likely benign. Last evaluated: 2024-07-17. Review status: criteria provided, single submitter. Criteria: ACMG Guidelines, 2015. Collection method: clinical testing. Allele origin: germline.

Eurofins Ntd Llc (ga)
Classification: Uncertain significance. Last evaluated: 2014-04-23. Review status: criteria provided, single submitter. Criteria: EGL Classification Definitions 2015. Collection method: clinical testing. Allele origin: germline. Observed: 1 variant allele, 1 heterozygote.

PreventionGenetics, part of Exact Sciences
Classification: Benign for TOPORS-related condition. Last evaluated: 2024-09-18. Review status: no assertion criteria provided. Collection method: clinical testing. Allele origin: germline. Not counted in ClinVar's aggregate classification.
Comment: This variant is classified as benign based on ACMG/AMP sequence variant interpretation guidelines (Richards et al. 2015 PMID: 25741868, with internal and published modifications).